The following is an entry in ClinVar:

ClinVar aggregate classification (germline): Pathogenic/Likely pathogenic. Review status: criteria provided, multiple submitters, no conflicts (2 of 4 stars). 4 submissions from 4 submitters: Pathogenic (2); Likely pathogenic (2). Last evaluated 2025-06-25.

Conditions:
Hereditary cancer-predisposing syndrome. Also called: Tumor predisposition; Hereditary neoplastic syndrome; Neoplastic Syndromes, Hereditary; Hereditary Cancer Syndrome. Identifiers: Orphanet 140162, MedGen C0027672, MeSH D009386, MONDO:0015356.
ATM-related disorder. Also called: ATM-related disorders; ATM-related condition.

Submissions (4):

GeneKor MSA
Classification: Likely pathogenic for Hereditary cancer-predisposing syndrome. Last evaluated: 2025-06-25. Review status: criteria provided, single submitter. Criteria: ACMG Guidelines, 2015. Collection method: clinical testing. Allele origin: germline. Affected: yes.
Comment: This variant is a single amino acid change from Lysine to a Termination codon at amino acid residue 1994 of the ATM protein. It results in a truncated non-functional protein. Truncating variants in the ATM gene are known to be pathogenic (PMID:25614872, 23807571). The mutation database ClinVar contains an entry for this variant (VCV000628174.8). For this reason this variant has been classified as likely pathogenic based on the classification criteria set by the ACMG and AMP (PMID:25741868).

Blueprint Genetics
Classification: Likely pathogenic for ATM-related disorders. Last evaluated: 2024-02-26. Review status: criteria provided, single submitter. Criteria: ACMG Guidelines, 2015. Collection method: clinical testing. Allele origin: germline. Affected: yes. Observed: 2 variant alleles.

Color Diagnostics, LLC DBA Color Health
Classification: Pathogenic for Hereditary cancer-predisposing syndrome. Last evaluated: 2020-02-26. Review status: criteria provided, single submitter. Criteria: ACMG Guidelines, 2015. Collection method: clinical testing. Allele origin: germline.
Comment: This variant changes 1 nucleotide in exon 40 of the ATM gene, creating a premature translation stop signal. This variant is expected to result in an absent or non-functional protein product. To our knowledge, this variant has not been reported in individuals affected with hereditary cancer in the literature. This variant has not been identified in the general population by the Genome Aggregation Database (gnomAD). Loss of ATM function is a known mechanism of disease. Based on the available evidence, this variant is classified as Pathogenic.

Ambry Genetics
Classification: Pathogenic for Hereditary cancer-predisposing syndrome. Last evaluated: 2017-11-13. Review status: criteria provided, single submitter. Criteria: Ambry Variant Classification Scheme 2023. Collection method: clinical testing. Allele origin: germline.
Comment: The p.K1994* pathogenic mutation (also known as c.5980A>T), located in coding exon 39 of the ATM gene, results from an A to T substitution at nucleotide position 5980. This changes the amino acid from a lysine to a stop codon within coding exon 39. This alteration is expected to result in loss of function by premature protein truncation or nonsense-mediated mRNA decay. As such, this alteration is interpreted as a disease-causing mutation.

Literature cited by the submitters: PubMed 25614872 (cited by GeneKor MSA); PubMed 23807571 (cited by GeneKor MSA).

NM_000051.4(ATM):c.5980A>T (p.Lys1994Ter)

Genes: ATM (ATM serine/threonine kinase; plus strand), C11orf65 (chromosome 11 open reading frame 65; minus strand). Cytogenetic location: 11q22.3.
Variant type: single nucleotide variant.
Coding change: c.5980A>T on transcript NM_000051.4 (MANE Select); coding-DNA position 5980, A replaced by T.
Protein change: p.Lys1994Ter; replaces lysine 1994 with a stop codon.
Molecular consequence: nonsense. On other transcripts: intron variant (2).
Genome position (GRCh38, 1-based): chr11:108,312,472, A>T. VCF-style: chr11-108312472-A-T. GRCh37 (hg19) VCF-style: chr11-108183199-A-T.
Other names: c.5980A>T, p.Lys1994Ter (NM_001351834.2); c.641-3401T>A (NM_001330368.2); c.*39-3401T>A (NM_001351110.2); short protein forms K1994*.
Identifiers: ClinVar variation 628174 (VCV000628174.10), dbSNP rs1565493693, ClinGen allele CA382548758.